The following is an entry in ClinVar:

ClinVar aggregate classification (germline): Pathogenic (1 of 4 stars; one submission).

Submission:

GeneDx
Classification: Pathogenic. Last evaluated: 2018-11-29. Review status: criteria provided, single submitter. Criteria: GeneDx Variant Classification (06012015). Collection method: clinical testing. Allele origin: germline. Affected: yes.
Comment: The c.7442_7445dupGATA nonsense variant in the NF1 gene is predicted to cause loss of normal protein function either through protein truncation or nonsense-mediated mRNA decay. This variant has not been reported previously to our knowledge. The c.7442_7445dupGATA variant is not observed in large population cohorts (Lek et al., 2016). In summary, we consider this variant to be pathogenic.

NM_001042492.3(NF1):c.7505_7508dup (p.Tyr2503Ter)

Gene: NF1 (neurofibromin 1; plus strand). Cytogenetic location: 17q11.2.
Variant type: Duplication.
Coding change: c.7505_7508dup on transcript NM_001042492.3 (MANE Select); coding-DNA positions 7505 to 7508, 4 bases duplicated (GATA; older notation c.7505_7508dupGATA).
Protein change: p.Tyr2503Ter; replaces tyrosine 2503 with a stop codon.
Molecular consequence: nonsense. On other transcripts: frameshift variant (1).
Genome position (GRCh38, 1-based): chr17:31,352,304-31,352,307, GATA duplicated. VCF-style (leftmost placement, unchanged base first): chr17-31352303-G-GGATA. GRCh37 (hg19) VCF-style: chr17-29679321-G-GGATA.
Other names: c.7442_7445dupGATA (NM_000267.3); c.7442_7445dup, p.Tyr2482Terfs (NM_000267.4); short protein forms Y2482*, Y2503*.
Identifiers: ClinVar variation 817011 (VCV000817011.1), dbSNP rs1597862086, ClinGen allele CA915949859.